The following is an entry in ClinVar:

ClinVar aggregate classification (germline): Benign/Likely benign. Review status: criteria provided, multiple submitters, no conflicts (2 of 4 stars). 23 submissions from 16 submitters: Benign (14); Likely benign (6). 3 of the submissions do not count toward it. Last evaluated 2026-02-03.

Conditions:
Dilated cardiomyopathy 1G (CMD1G). Identifiers: Orphanet 154, MedGen C1858763, MONDO:0011400, OMIM 604145.
Autosomal recessive limb-girdle muscular dystrophy type 2J (LGMDR10). Also called: MUSCULAR DYSTROPHY, LIMB-GIRDLE, AUTOSOMAL RECESSIVE 10; Limb-girdle muscular dystrophy, type 2J. Identifiers: Orphanet 140922, MedGen C1837342, MONDO:0012127, OMIM 608807.
Cardiovascular phenotype. Identifiers: MedGen CN230736.
Cardiomyopathy (CMYO). Also called: Cardiomyopathies. Identifiers: Orphanet 167848, MedGen C0878544, MONDO:0004994, HP:0001638. Inheritance: Various modes of inheritance.
Early-onset myopathy with fatal cardiomyopathy (CMYO5). Also called: CONGENITAL MYOPATHY 5 WITH CARDIOMYOPATHY; Salih Myopathy. Identifiers: Orphanet 289377, MedGen C2673677, MONDO:0012714, OMIM 611705. Disease mechanism: loss of function.
Myopathy, myofibrillar, 9, with early respiratory failure (MFM9). Also called: Myopathy, distal, with early respiratory failure, autosomal dominant; Hereditary myopathy with early respiratory failure; MYOPATHY, PROXIMAL, WITH EARLY RESPIRATORY MUSCLE INVOLVEMENT; EDSTROM MYOPATHY. Identifiers: Orphanet 178464, Orphanet 34521, MedGen C1863599, MONDO:0011362, OMIM 603689.
Tibial muscular dystrophy (TMD). Also called: Udd Distal Myopathy – Tibial Muscular Dystrophy; Tibial muscular dystrophy, tardive; UDD MYOPATHY. Identifiers: Orphanet 609, MedGen C1838244, MONDO:0010870, OMIM 600334.

Allele frequency attached by ClinVar (database versions not stated): 1000 Genomes Project 0.00399; gnomAD 0.00460 and 0.00496; 1000 Genomes Project 30x 0.00500; TOPMed 0.00526; ESP Exome Variant Server 0.00521.
gnomAD v4.1: 1,339 of 1,588,208 alleles (0.084%); highest among the groups gnomAD compares: African/African-American, 1.7%; 9 homozygotes.

Submissions (23):

Labcorp Genetics (formerly Invitae), Labcorp
Classification: Benign for Dilated cardiomyopathy 1G; Autosomal recessive limb-girdle muscular dystrophy type 2J. Last evaluated: 2026-02-03. Review status: criteria provided, single submitter. Criteria: Invitae Variant Classification Sherloc (09022015). Collection method: clinical testing. Allele origin: germline.

Mayo Clinic Laboratories, Mayo Clinic
Classification: Likely benign. Last evaluated: 2025-02-04. Review status: criteria provided, single submitter. Criteria: ACMG Guidelines, 2015. Collection method: clinical testing. Allele origin: germline. Observed: 14 variant alleles.
Comment: BA1

Athena Diagnostics
Classification: Benign. Last evaluated: 2024-10-17. Review status: criteria provided, single submitter. Criteria: Athena Diagnostics Criteria. Collection method: clinical testing. Allele origin: unknown.

Blueprint Genetics
Classification: Likely benign. Last evaluated: 2024-08-28. Review status: criteria provided, single submitter. Criteria: ACMG Guidelines, 2015. Collection method: clinical testing. Allele origin: germline.

ARUP Laboratories, Molecular Genetics and Genomics, ARUP Laboratories
Classification: Likely benign. Last evaluated: 2024-06-21. Review status: criteria provided, single submitter. Criteria: ARUP Molecular Germline Variant Investigation Process 2024. Collection method: clinical testing. Allele origin: germline.

CHEO Genetics Diagnostic Laboratory, Children's Hospital of Eastern Ontario
Classification: Benign for Cardiomyopathy. Last evaluated: 2023-05-01. Review status: criteria provided, single submitter. Criteria: ACMG Guidelines, 2015. Collection method: clinical testing. Allele origin: germline.

Genome-Nilou Lab
Classification: Benign for Autosomal recessive limb-girdle muscular dystrophy type 2J. Last evaluated: 2021-09-10. Review status: criteria provided, single submitter. Criteria: ACMG Guidelines, 2015. Collection method: clinical testing. Allele origin: germline. Affected: no.

Genome-Nilou Lab
Classification: Benign for Myopathy, myofibrillar, 9, with early respiratory failure. Last evaluated: 2021-09-10. Review status: criteria provided, single submitter. Criteria: ACMG Guidelines, 2015. Collection method: clinical testing. Allele origin: germline. Affected: no.

Genome-Nilou Lab
Classification: Benign for Early-onset myopathy with fatal cardiomyopathy. Last evaluated: 2021-09-10. Review status: criteria provided, single submitter. Criteria: ACMG Guidelines, 2015. Collection method: clinical testing. Allele origin: germline. Affected: no.

Genome-Nilou Lab
Classification: Benign for Tibial muscular dystrophy. Last evaluated: 2021-09-10. Review status: criteria provided, single submitter. Criteria: ACMG Guidelines, 2015. Collection method: clinical testing. Allele origin: germline. Affected: no.

Women's Health and Genetics/Laboratory Corporation of America, LabCorp
Classification: Likely benign. Last evaluated: 2020-10-17. Review status: criteria provided, single submitter. Criteria: LabCorp Variant Classification Summary - May 2015. Collection method: clinical testing. Allele origin: germline.

Illumina Laboratory Services, Illumina
Classification: Likely benign for Autosomal recessive limb-girdle muscular dystrophy type 2J. Last evaluated: 2017-07-08. Review status: criteria provided, single submitter. Criteria: ICSL Variant Classification Criteria 13 December 2019. Collection method: clinical testing. Allele origin: germline.
Comment: This variant was observed as part of a predisposition screen in an ostensibly healthy population. A literature search was performed for the gene, cDNA change, and amino acid change (where applicable). No publications were found based on this search. Allele frequency data from public databases allowed determination this variant is unlikely to cause disease. Therefore, this variant is classified as likely benign.

Illumina Laboratory Services, Illumina
Classification: Benign for Tibial muscular dystrophy. Last evaluated: 2017-07-08. Review status: criteria provided, single submitter. Criteria: ICSL Variant Classification Criteria 13 December 2019. Collection method: clinical testing. Allele origin: germline.
Comment: This variant was observed as part of a predisposition screen in an ostensibly healthy population. A literature search was performed for the gene, cDNA change, and amino acid change (where applicable). No publications were found based on this search. Allele frequency data from public databases was too high to be consistent with this variant causing disease. Therefore, this variant is classified as benign.

Illumina Laboratory Services, Illumina
Classification: Likely benign for Dilated cardiomyopathy 1G. Last evaluated: 2017-07-08. Review status: criteria provided, single submitter. Criteria: ICSL Variant Classification Criteria 13 December 2019. Collection method: clinical testing. Allele origin: germline.
Comment: the same text as in the submission from Illumina Laboratory Services, Illumina above.

Illumina Laboratory Services, Illumina
Classification: Benign for Early-onset myopathy with fatal cardiomyopathy. Last evaluated: 2017-07-08. Review status: criteria provided, single submitter. Criteria: ICSL Variant Classification Criteria 13 December 2019. Collection method: clinical testing. Allele origin: germline.
Comment: the same text as in the submission from Illumina Laboratory Services, Illumina above.

Illumina Laboratory Services, Illumina
Classification: Benign for Myopathy, myofibrillar, 9, with early respiratory failure. Last evaluated: 2017-07-08. Review status: criteria provided, single submitter. Criteria: ICSL Variant Classification Criteria 13 December 2019. Collection method: clinical testing. Allele origin: germline.
Comment: the same text as in the submission from Illumina Laboratory Services, Illumina above.

Ambry Genetics
Classification: Benign for Cardiovascular phenotype. Last evaluated: 2015-12-31. Review status: criteria provided, single submitter. Criteria: Ambry Variant Classification Scheme 2023. Collection method: clinical testing. Allele origin: germline.

Biesecker Lab/Clinical Genomics Section, National Institutes of Health
Classification: Benign. Last evaluated: 2013-06-24. Review status: criteria provided, single submitter. Criteria: Ng et al. (Circ Cardiovasc Genet. 2013). Collection method: research. Allele origin: unknown. Observed: 1 variant allele. Study: ClinSeq.
Comment: The study set was not selected for affection status in relation to any cancer. Pathogenicity categories were based on literature curation. See Pubmed ID:23861362 for details.

Medical sequencing

GeneDx
Classification: Benign. Last evaluated: 2013-04-08. Review status: criteria provided, single submitter. Criteria: GeneDx Variant Classification (06012015). Collection method: clinical testing. Allele origin: germline. Affected: yes.
Comment: This variant is considered likely benign or benign based on one or more of the following criteria: it is a conservative change, it occurs at a poorly conserved position in the protein, it is predicted to be benign by multiple in silico algorithms, and/or has population frequency not consistent with disease.

Laboratory for Molecular Medicine, Mass General Brigham Personalized Medicine
Classification: Benign. Last evaluated: 2012-03-19. Review status: criteria provided, single submitter. Criteria: LMM Criteria. Collection method: clinical testing. Allele origin: germline. Observed: 13 variant alleles.
Comment: Arg28060Ser in exon 287 of TTN: This variant is not expected to have clinical si gnificance because it has been identified in 1.5% (46/3006) of African American chromosomes from a broad population by the NHLBI Exome Sequencing Project (dbSNP rs144922355)

Clinical Genetics DNA and cytogenetics Diagnostics Lab, Erasmus MC, Erasmus Medical Center
Classification: Benign. Review status: no assertion criteria provided. Collection method: clinical testing. Allele origin: germline. Affected: yes. Study: VKGL Data-share Consensus. Not counted in ClinVar's aggregate classification.

Clinical Genetics, Academic Medical Center
Classification: Benign. Review status: no assertion criteria provided. Collection method: clinical testing. Allele origin: germline. Affected: yes. Study: VKGL Data-share Consensus. Not counted in ClinVar's aggregate classification.

Joint Genome Diagnostic Labs from Nijmegen and Maastricht, Radboudumc and MUMC+
Classification: Benign. Review status: no assertion criteria provided. Collection method: clinical testing. Allele origin: germline. Affected: yes. Study: VKGL Data-share Consensus. Not counted in ClinVar's aggregate classification.

Literature cited by the submitters: PubMed 30086531 (cited by Athena Diagnostics); PubMed 33540853 (cited by Athena Diagnostics); PubMed 29420653 (cited by Athena Diagnostics); PubMed 23675308 (cited by Athena Diagnostics).

NM_001267550.2(TTN):c.91884A>T (p.Arg30628Ser)

Genes: TTN (titin; minus strand), TTN-AS1 (TTN antisense RNA 1; plus strand). Cytogenetic location: 2q31.2.
Variant type: single nucleotide variant.
Coding change: c.91884A>T on transcript NM_001267550.2 (MANE Select); coding-DNA position 91884, A replaced by T.
Protein change: p.Arg30628Ser; replaces arginine 30628 with serine.
Molecular consequence: missense variant.
Genome position (GRCh38, 1-based): chr2:178,549,838, T>A on the plus strand (A>T on the coding strand, the complement: TTN is on the minus strand). VCF-style: chr2-178549838-T-A. GRCh37 (hg19) VCF-style: chr2-179414565-T-A.
Other names: p.R28987S:AGA>AGT; c.65064A>T, p.Arg21688Ser (NM_133432.3); c.65265A>T, p.Arg21755Ser (NM_133437.4); c.86961A>T, p.Arg28987Ser (NM_001256850.1); c.64689A>T, p.Arg21563Ser (NM_003319.4); c.84180A>T, p.Arg28060Ser (NM_133378.4); short protein forms R30628S, R28060S, R28987S, R21563S, R21755S, R21688S.
Identifiers: ClinVar variation 47516 (VCV000047516.43), dbSNP rs144922355, ClinGen allele CA284031.
Genomic context (GRCh38, chr2:178,549,838, plus strand): 5'-ACCGTCATTGAGTGGGGCATCCCACCACAGAGTCATCTTCTCCCCAGTAATATTGGTGAA[T>A]CTTATTGGCCCAACTACTTTTCCTGGTGTATCTATAAGAAAAAGTTTCTAGAGTTAGTTT-3'
Protein context (NP_001254479.2, residues 30618-30638): DTPGKVVGPI[Arg30628Ser]FTNITGEKMT